The following is an entry in ClinVar:

ClinVar aggregate classification (germline): Uncertain significance (1 of 4 stars; one submission).

Submission:

GeneDx
Classification: Uncertain significance. Last evaluated: 2024-06-08. Review status: criteria provided, single submitter. Criteria: GeneDx Variant Classification Process June 2021. Collection method: clinical testing. Allele origin: germline. Affected: yes.
Comment: Not observed at significant frequency in large population cohorts (gnomAD); In silico analysis supports that this missense variant has a deleterious effect on protein structure/function; Has not been previously published as pathogenic or benign to our knowledge

NM_002294.3(LAMP2):c.626C>T (p.Thr209Ile)

Gene: LAMP2 (lysosomal associated membrane protein 2; minus strand). Cytogenetic location: Xq24.
Variant type: single nucleotide variant.
Coding change: c.626C>T on transcript NM_002294.3 (MANE Select); coding-DNA position 626, C replaced by T.
Protein change: p.Thr209Ile; replaces threonine 209 with isoleucine.
Molecular consequence: missense variant.
Genome position (GRCh38, 1-based): chrX:120,447,956, G>A on the plus strand (C>T on the coding strand, the complement: LAMP2 is on the minus strand). VCF-style: chrX-120447956-G-A. GRCh37 (hg19) VCF-style: chrX-119581811-G-A.
Other names: c.626C>T, p.Thr209Ile (NM_001122606.1, NM_013995.2); short protein forms T209I.
Identifiers: ClinVar variation 3384328 (VCV003384328.1).